The following is an entry in ClinVar:

NM_000179.3(MSH6):c.3573T>G (p.Phe1191Leu)

Gene: MSH6 (mutS homolog 6; plus strand). Cytogenetic location: 2p16.3.
Variant type: single nucleotide variant.
Coding change: c.3573T>G on transcript NM_000179.3 (MANE Select); coding-DNA position 3573, T replaced by G.
Protein change: p.Phe1191Leu; replaces phenylalanine 1191 with leucine.
Molecular consequence: missense variant.
Genome position (GRCh38, 1-based): chr2:47,805,634, T>G. VCF-style: chr2-47805634-T-G. GRCh37 (hg19) VCF-style: chr2-48032773-T-G.
Other names: c.3183T>G, p.Phe1061Leu (NM_001281492.2); c.2667T>G, p.Phe889Leu (NM_001281493.2, NM_001281494.2); short protein forms F1191L, F1061L, F889L.
Identifiers: ClinVar variation 630921 (VCV000630921.6), dbSNP rs1558390698, ClinGen allele CA346760493.

ClinVar aggregate classification (germline): Uncertain significance. Review status: criteria provided, multiple submitters, no conflicts (2 of 4 stars). 2 submissions from 2 submitters: Uncertain significance (2). Last evaluated 2024-03-21.

Conditions:
Hereditary cancer-predisposing syndrome. Also called: Tumor predisposition; Neoplastic Syndromes, Hereditary; Hereditary neoplastic syndrome; Hereditary Cancer Syndrome. Identifiers: Orphanet 140162, MedGen C0027672, MeSH D009386, MONDO:0015356.
Endometrial carcinoma. Also called: Endometrial carcinoma, somatic. Identifiers: MedGen C0476089, MONDO:0002447, OMIM 608089, HP:0012114.

Submissions (2):

Baylor Genetics
Classification: Uncertain significance for Endometrial carcinoma. Last evaluated: 2024-03-21. Review status: criteria provided, single submitter. Criteria: ACMG Guidelines, 2015. Collection method: clinical testing. Allele origin: unknown.

Color Diagnostics, LLC DBA Color Health
Classification: Uncertain significance for Hereditary cancer-predisposing syndrome. Last evaluated: 2023-12-05. Review status: criteria provided, single submitter. Criteria: ACMG Guidelines, 2015. Collection method: clinical testing. Allele origin: germline.
Comment: This missense variant replaces phenylalanine with leucine at codon 1191 of the MSH6 protein. Computational prediction is inconclusive regarding the impact of this variant on protein structure and function (internally defined REVEL score threshold 0.5 < inconclusive < 0.7, PMID: 27666373). To our knowledge, functional studies have not been reported for this variant. This variant has not been reported in individuals affected with MSH6-related disorders in the literature. This variant has not been identified in the general population by the Genome Aggregation Database (gnomAD). The available evidence is insufficient to determine the role of this variant in disease conclusively. Therefore, this variant is classified as a Variant of Uncertain Significance.